The following is an entry in ClinVar:

ClinVar aggregate classification (germline): Uncertain significance. Review status: criteria provided, multiple submitters, no conflicts (2 of 4 stars). 2 submissions from 2 submitters: Uncertain significance (2). Last evaluated 2023-12-13.

Allele frequency attached by ClinVar (database versions not stated): TOPMed 0.00001.

Submissions (2):

Labcorp Genetics (formerly Invitae), Labcorp
Classification: Uncertain significance. Last evaluated: 2023-12-13. Review status: criteria provided, single submitter. Criteria: Invitae Variant Classification Sherloc (09022015). Collection method: clinical testing. Allele origin: germline.
Comment: This sequence change replaces serine, which is neutral and polar, with asparagine, which is neutral and polar, at codon 743 of the IL6ST protein (p.Ser743Asn). This variant is not present in population databases (gnomAD no frequency). This variant has not been reported in the literature in individuals affected with IL6ST-related conditions. ClinVar contains an entry for this variant (Variation ID: 2252351). An algorithm developed to predict the effect of missense changes on protein structure and function (PolyPhen-2) suggests that this variant is likely to be tolerated. In summary, the available evidence is currently insufficient to determine the role of this variant in disease. Therefore, it has been classified as a Variant of Uncertain Significance.

Ambry Genetics
Classification: Uncertain significance. Last evaluated: 2021-09-27. Review status: criteria provided, single submitter. Criteria: Ambry Variant Classification Scheme 2023. Collection method: clinical testing. Allele origin: germline.

NM_002184.4(IL6ST):c.2228G>A (p.Ser743Asn)

Gene: IL6ST (interleukin 6 cytokine family signal transducer; minus strand). Cytogenetic location: 5q11.2.
Variant type: single nucleotide variant.
Coding change: c.2228G>A on transcript NM_002184.4 (MANE Select); coding-DNA position 2228, G replaced by A.
Protein change: p.Ser743Asn; replaces serine 743 with asparagine.
Molecular consequence: missense variant. On other transcripts: 3 prime UTR variant (1), non-coding transcript variant (2).
Genome position (GRCh38, 1-based): chr5:55,941,611, C>T on the plus strand (G>A on the coding strand, the complement: IL6ST is on the minus strand). VCF-style: chr5-55941611-C-T. GRCh37 (hg19) VCF-style: chr5-55237439-C-T.
Other names: c.2045G>A, p.Ser682Asn (NM_001190981.2); c.2126G>A, p.Ser709Asn (NM_001364275.2); c.2018G>A, p.Ser673Asn (NM_001364276.2); c.1361G>A, p.Ser454Asn (NM_001364277.2); c.1325G>A, p.Ser442Asn (NM_001364278.2); c.1232G>A, p.Ser411Asn (NM_001364279.2); c.*1155G>A (NM_175767.3); c.2228G>A (NM_002184.3); short protein forms S411N, S442N, S454N, S673N, S682N, S709N, S743N.
Identifiers: ClinVar variation 2252351 (VCV002252351.8), dbSNP rs1320304244, ClinGen allele CA359779130.